The following is an entry in ClinVar:

NM_020436.5(SALL4):c.518A>G (p.Lys173Arg)

Gene: SALL4 (spalt like transcription factor 4; minus strand). Cytogenetic location: 20q13.2.
Variant type: single nucleotide variant.
Coding change: c.518A>G on transcript NM_020436.5 (MANE Select); coding-DNA position 518, A replaced by G.
Protein change: p.Lys173Arg; replaces lysine 173 with arginine.
Molecular consequence: missense variant.
Genome position (GRCh38, 1-based): chr20:51,791,965, T>C on the plus strand (A>G on the coding strand, the complement: SALL4 is on the minus strand). VCF-style: chr20-51791965-T-C. GRCh37 (hg19) VCF-style: chr20-50408504-T-C.
Other names: c.518A>G, p.Lys173Arg (NM_001318031.2); short protein forms K173R.
Identifiers: ClinVar variation 4863755 (VCV004863755.1).

ClinVar aggregate classification (germline): Uncertain significance (1 of 4 stars; one submission).

Conditions:
Inborn genetic diseases. Identifiers: MedGen C0950123, MeSH D030342.

gnomAD v4.1: 5 of 1,614,228 alleles (0.00031%); highest among the groups gnomAD compares: Admixed American, 0.0017%; no homozygotes.

Submission:

Ambry Genetics
Classification: Uncertain significance for Inborn genetic diseases. Last evaluated: 2026-06-03. Review status: criteria provided, single submitter. Criteria: Ambry Variant Classification Scheme 2023. Collection method: clinical testing. Allele origin: germline.
Comment: The c.518A>G (p.K173R) alteration is located in exon 2 (coding exon 2) of the SALL4 gene. This alteration results from a A to G substitution at nucleotide position 518, causing the lysine (K) at amino acid position 173 to be replaced by an arginine (R). Based on data from gnomAD, the G allele has an overall frequency of <0.001% (1/251418) total alleles studied. The highest observed frequency was 0.006% (1/16252) of African alleles. Based on insufficient or conflicting evidence, the clinical significance of this alteration remains unclear.